The following is an entry in ClinVar:

ClinVar aggregate classification (germline): Uncertain significance (1 of 4 stars; one submission).

gnomAD v4.1: 4 of 1,551,090 alleles (0.00026%); highest among the groups gnomAD compares: Non-Finnish European, 0.00035%; no homozygotes.

Submission:

GeneDx
Classification: Uncertain significance. Last evaluated: 2024-11-15. Review status: criteria provided, single submitter. Criteria: GeneDx Variant Classification Process June 2021. Collection method: clinical testing. Allele origin: germline. Affected: yes.
Comment: Not observed at significant frequency in large population cohorts (gnomAD); In silico analysis supports that this missense variant has a deleterious effect on protein structure/function; Has not been previously published as pathogenic or benign to our knowledge

NM_001142966.3(GREB1L):c.404A>G (p.Glu135Gly)

Genes: GREB1L (GREB1 like retinoic acid receptor coactivator; plus strand), GREB1L-AS1 (GREB1L antisense RNA 1; minus strand). Cytogenetic location: 18q11.1.
Variant type: single nucleotide variant.
Coding change: c.404A>G on transcript NM_001142966.3 (MANE Select); coding-DNA position 404, A replaced by G.
Protein change: p.Glu135Gly; replaces glutamic acid 135 with glycine.
Molecular consequence: missense variant.
Genome position (GRCh38, 1-based): chr18:21,395,433, A>G. VCF-style: chr18-21395433-A-G. GRCh37 (hg19) VCF-style: chr18-18975394-A-G.
Other names: c.404A>G, p.Glu135Gly (NM_001410867.1, NM_001410868.1); short protein forms E135G.
Identifiers: ClinVar variation 3899816 (VCV003899816.1).